The following is an entry in ClinVar:

NM_130384.3(ATRIP):c.2144G>A (p.Arg715Gln)

Genes: ATRIP (ATR interacting protein; plus strand), ATRIP-TREX1 (ATRIP-TREX1 readthrough; plus strand). Cytogenetic location: 3p21.31.
Variant type: single nucleotide variant.
Coding change: c.2144G>A on transcript NM_130384.3 (MANE Select); coding-DNA position 2144, G replaced by A.
Protein change: p.Arg715Gln; replaces arginine 715 with glutamine.
Molecular consequence: missense variant. On other transcripts: non-coding transcript variant (1).
Genome position (GRCh38, 1-based): chr3:48,464,919, G>A. VCF-style: chr3-48464919-G-A. GRCh37 (hg19) VCF-style: chr3-48506318-G-A.
Other names: c.1763G>A, p.Arg588Gln (NM_001271022.2); c.1865G>A, p.Arg622Gln (NM_001271023.2); c.2063G>A, p.Arg688Gln (NM_032166.4); c.2144G>A (NM_130384.1); short protein forms R588Q, R622Q, R688Q, R715Q.
Identifiers: ClinVar variation 1984260 (VCV001984260.5), dbSNP rs763262850, ClinGen allele CA2376411.

ClinVar aggregate classification (germline): Uncertain significance. Review status: criteria provided, multiple submitters, no conflicts (2 of 4 stars). 2 submissions from 2 submitters: Uncertain significance (2). Last evaluated 2025-04-12.

Allele frequency attached by ClinVar (database versions not stated): TOPMed below 0.00001; gnomAD 0.00001; gnomAD exomes 0.00001; ExAC 0.00002.
gnomAD v4.1: 11 of 1,614,030 alleles (0.00068%); highest among the groups gnomAD compares: Middle Eastern, 0.033%; no homozygotes.

Submissions (2):

Ambry Genetics
Classification: Uncertain significance. Last evaluated: 2025-04-12. Review status: criteria provided, single submitter. Criteria: Ambry Variant Classification Scheme 2023. Collection method: clinical testing. Allele origin: germline.
Comment: The p.R715Q variant (also known as c.2144G>A), located in coding exon 12 of the ATRIP gene, results from a G to A substitution at nucleotide position 2144. The arginine at codon 715 is replaced by glutamine, an amino acid with highly similar properties. This amino acid position is conserved. In addition, this alteration is predicted to be tolerated by in silico analysis. Based on the available evidence, the clinical significance of this variant remains unclear.

Labcorp Genetics (formerly Invitae), Labcorp
Classification: Uncertain significance. Last evaluated: 2023-07-26. Review status: criteria provided, single submitter. Criteria: Invitae Variant Classification Sherloc (09022015). Collection method: clinical testing. Allele origin: germline.
Comment: This sequence change replaces arginine, which is basic and polar, with glutamine, which is neutral and polar, at codon 715 of the ATRIP protein (p.Arg715Gln). This variant is present in population databases (rs763262850, gnomAD 0.009%). This variant has not been reported in the literature in individuals affected with ATRIP-related conditions. ClinVar contains an entry for this variant (Variation ID: 1984260). Algorithms developed to predict the effect of missense changes on protein structure and function output the following: SIFT: "Not Available"; PolyPhen-2: "Benign"; Align-GVGD: "Not Available". The glutamine amino acid residue is found in multiple mammalian species, which suggests that this missense change does not adversely affect protein function. In summary, the available evidence is currently insufficient to determine the role of this variant in disease. Therefore, it has been classified as a Variant of Uncertain Significance.